The following is an entry in ClinVar:

NM_000426.4(LAMA2):c.7817T>C (p.Met2606Thr)

Gene: LAMA2 (laminin subunit alpha 2; plus strand). Cytogenetic location: 6q22.33.
Variant type: single nucleotide variant.
Coding change: c.7817T>C on transcript NM_000426.4 (MANE Select); coding-DNA position 7817, T replaced by C.
Protein change: p.Met2606Thr; replaces methionine 2606 with threonine.
Molecular consequence: missense variant.
Genome position (GRCh38, 1-based): chr6:129,486,541, T>C. VCF-style: chr6-129486541-T-C. GRCh37 (hg19) VCF-style: chr6-129807686-T-C.
Other names: c.7805T>C, p.Met2602Thr (NM_001079823.2); short protein forms M2606T, M2602T.
Identifiers: ClinVar variation 953508 (VCV000953508.7), dbSNP rs767640802, ClinGen allele CA3994671.

ClinVar aggregate classification (germline): Uncertain significance. Review status: criteria provided, multiple submitters, no conflicts (2 of 4 stars). 2 submissions from 2 submitters: Uncertain significance (2). Last evaluated 2024-06-25.

Conditions:
LAMA2-related muscular dystrophy (LAMA2-RD). Also called: Laminin alpha 2-related dystrophy. Identifiers: MedGen C5679788, MONDO:0100228.

Allele frequency attached by ClinVar (database versions not stated): gnomAD exomes 0.00002 and 0.00003; ExAC 0.00007; gnomAD 0.00001; TOPMed 0.00001.
gnomAD v4.1: 31 of 1,613,434 alleles (0.0019%); highest among the groups gnomAD compares: Non-Finnish European, 0.0025%; no homozygotes.

Submissions (2):

Revvity Omics, Revvity
Classification: Uncertain significance. Last evaluated: 2024-06-25. Review status: criteria provided, single submitter. Criteria: ACMG Guidelines, 2015. Collection method: clinical testing. Allele origin: germline.

Labcorp Genetics (formerly Invitae), Labcorp
Classification: Uncertain significance for LAMA2-related muscular dystrophy. Last evaluated: 2022-06-03. Review status: criteria provided, single submitter. Criteria: Invitae Variant Classification Sherloc (09022015). Collection method: clinical testing. Allele origin: germline.
Comment: This sequence change replaces methionine, which is neutral and non-polar, with threonine, which is neutral and polar, at codon 2606 of the LAMA2 protein (p.Met2606Thr). This variant is present in population databases (rs767640802, gnomAD 0.008%). This variant has not been reported in the literature in individuals affected with LAMA2-related conditions. ClinVar contains an entry for this variant (Variation ID: 953508). Advanced modeling of protein sequence and biophysical properties (such as structural, functional, and spatial information, amino acid conservation, physicochemical variation, residue mobility, and thermodynamic stability) performed at Invitae indicates that this missense variant is not expected to disrupt LAMA2 protein function. In summary, the available evidence is currently insufficient to determine the role of this variant in disease. Therefore, it has been classified as a Variant of Uncertain Significance.